The following is an entry in ClinVar:

NM_001458.5(FLNC):c.4127+62C>T

Gene: FLNC (filamin C; plus strand). Cytogenetic location: 7q32.1.
Variant type: single nucleotide variant.
Coding change: c.4127+62C>T on transcript NM_001458.5 (MANE Select); 62 bases into the intron after coding-DNA position 4127, C replaced by T.
Molecular consequence: intron variant.
Genome position (GRCh38, 1-based): chr7:128,846,525, C>T. VCF-style: chr7-128846525-C-T. GRCh37 (hg19) VCF-style: chr7-128486579-C-T.
Other names: c.4127+62C>T (NM_001127487.2).
Identifiers: ClinVar variation 677361 (VCV000677361.2), dbSNP rs117927520, ClinGen allele CA166180495.

ClinVar aggregate classification (germline): Likely benign. Review status: criteria provided, multiple submitters, no conflicts (2 of 4 stars). 2 submissions from 2 submitters: Likely benign (2). Last evaluated 2018-06-18.

Allele frequency attached by ClinVar (database versions not stated): 1000 Genomes Project 30x 0.00906; 1000 Genomes Project 0.00919; TOPMed 0.01141; gnomAD 0.01309 and 0.01333.
gnomAD v4.1: 24,132 of 1,577,122 alleles (1.5%); highest among the groups gnomAD compares: Non-Finnish European, 1.7%; 205 homozygotes.

Submissions (2):

GeneDx
Classification: Likely benign. Last evaluated: 2018-06-18. Review status: criteria provided, single submitter. Criteria: GeneDx Variant Classification (06012015). Collection method: clinical testing. Allele origin: germline. Affected: yes.
Comment: This variant is considered likely benign or benign based on one or more of the following criteria: it is a conservative change, it occurs at a poorly conserved position in the protein, it is predicted to be benign by multiple in silico algorithms, and/or has population frequency not consistent with disease.

Breakthrough Genomics
Classification: Likely benign. Review status: criteria provided, single submitter. Criteria: ACMG Guidelines, 2015. Collection method: not provided. Allele origin: germline. Inheritance: Autosomal dominant inheritance. Affected: yes.